The following is an entry in ClinVar:

ClinVar aggregate classification (germline): Likely pathogenic. Review status: criteria provided, multiple submitters, no conflicts (2 of 4 stars). 4 submissions from 4 submitters: Likely pathogenic (4). Last evaluated 2024-03-11.

Conditions:
Congenital myasthenic syndrome 4B. Also called: Myasthenic syndrome, congenital, 4b, fast-channel. Identifiers: Orphanet 590, MedGen C4225369, MONDO:0014586, OMIM 616324.
Congenital myasthenic syndrome 4C (CMS4C). Also called: Myasthenic syndrome, congenital, associated with acetylcholine receptor deficiency. Identifiers: Orphanet 590, MedGen C1837091, MONDO:0012157, OMIM 608931.
Congenital myasthenic syndrome 4A. Also called: Myasthenic syndrome, congenital, 4a, slow-channel; MYASTHENIC SYNDROME, CONGENITAL, 4A, SLOW-CHANNEL, AUTOSOMAL RECESSIVE; CONGENITAL MYASTHENIC SYNDROME TYPE Ia1. Identifiers: Orphanet 590, MedGen C4225413, MONDO:0011600, OMIM 605809.
Congenital myasthenic syndrome (CMS). Also called: Congenital Myasthenic Syndromes. Identifiers: Orphanet 590, MedGen C0751882, MeSH D020294, MONDO:0018940.

Submissions (4):

Fulgent Genetics
Classification: Likely pathogenic for Congenital myasthenic syndrome 4A; Congenital myasthenic syndrome 4C; Congenital myasthenic syndrome 4B. Last evaluated: 2024-03-11. Review status: criteria provided, single submitter. Criteria: ACMG Guidelines, 2015. Collection method: clinical testing. Allele origin: germline.

Women's Health and Genetics/Laboratory Corporation of America, LabCorp
Classification: Likely pathogenic for Congenital myasthenic syndrome. Last evaluated: 2024-03-08. Review status: criteria provided, single submitter. Criteria: LabCorp Variant Classification Summary - May 2015. Collection method: clinical testing. Allele origin: germline.
Comment: Variant summary: CHRNE c.1297_1314dup18 (p.Ser433_Glu438dup) results in an in-frame duplication that is predicted to duplicate 6 amino acids into the encoded protein. The variant was absent in 230276 control chromosomes. c.1297_1314dup18 has been reported in the literature in trans along with a second pathogenic missense in at-least three individuals from a family affected with Congenital Myasthenic Syndrome (example, Milone_1998). These data indicate that the variant may be associated with disease. At least one publication reports experimental evidence evaluating an impact on protein function. The most pronounced variant effect results in significantly reduced neuromuscular endplate metrics, abnormally brief activation episodes during steady state agonist application and electrically silence during the synaptic response to acetylcholine, in patients tissues and in engineered HEK cells. The endplate deficiency can be restored via simplification of the postsynaptic region and fetal AChR rescue (Milone_1998). The following publication have been ascertained in the context of this evaluation (PMID: 9539130). ClinVar contains an entry for this variant (Variation ID: 842325). Based on the evidence outlined above, the variant was classified as likely pathogenic.

Baylor Genetics
Classification: Likely pathogenic for Congenital myasthenic syndrome 4A. Last evaluated: 2023-10-25. Review status: criteria provided, single submitter. Criteria: ACMG Guidelines, 2015. Collection method: clinical testing. Allele origin: unknown.

Labcorp Genetics (formerly Invitae), Labcorp
Classification: Likely pathogenic for Myasthenia, Familial Infantile, 1. Last evaluated: 2019-12-30. Review status: criteria provided, single submitter. Criteria: Invitae Variant Classification Sherloc (09022015). Collection method: clinical testing. Allele origin: germline.
Comment: This variant, c.1297_1314dup, results in the insertion of 6 amino acid(s) to the CHRNE protein (p.Ser433_Glu438dup), but otherwise preserves the integrity of the reading frame. This variant is not present in population databases (ExAC no frequency). This variant has been observed in individual(s) with autosomal recessive congenital myasthenic syndrome (PMID: 9539130). It has also been observed to segregate with disease in related individuals. This variant is also known as 1254ins18 in the literature. This variant has been reported to affect CHRNE protein function (PMID: 9539130). In summary, the currently available evidence indicates that the variant is pathogenic, but additional data are needed to prove that conclusively. Therefore, this variant has been classified as Likely Pathogenic.

Literature cited by the submitters: PubMed 9539130 (cited by Women's Health and Genetics/Laboratory Corporation of America, LabCorp and Labcorp Genetics (formerly Invitae), Labcorp).

NM_000080.4(CHRNE):c.1297_1314dup (p.Ser433_Glu438dup)

Gene: CHRNE (cholinergic receptor nicotinic epsilon subunit; minus strand). Cytogenetic location: 17p13.2.
Variant type: Duplication.
Coding change: c.1297_1314dup on transcript NM_000080.4 (MANE Select); coding-DNA positions 1297 to 1314, 18 bases duplicated (AGCACGAGAGATCAGGAG).
Protein change: p.Ser433_Glu438dup.
Molecular consequence: inframe insertion.
Genome position (GRCh38, 1-based): chr17:4,899,013-4,899,030, CTCCTGATCTCTCGTGCT duplicated on the plus strand (AGCACGAGAGATCAGGAG on the coding strand, the reverse complement: CHRNE is on the minus strand); duplicating any 18 consecutive bases within chr17:4,899,013-4,899,033 gives the same sequence; the c. name uses the placement nearest the transcript's 3' end. VCF-style (leftmost placement, unchanged base first): chr17-4899012-C-CCTCCTGATCTCTCGTGCT. GRCh37 (hg19) VCF-style: chr17-4802307-C-CCTCCTGATCTCTCGTGCT.
Other names: c.1297_1314dup18 (NM_000080.4).
Identifiers: ClinVar variation 842325 (VCV000842325.5), dbSNP rs1969834618, ClinGen allele CA916083521.
Genomic context (GRCh38, chr17:4,899,012, plus strand): 5'-CAGTGGTGGGCCTCTGCCTCGCTCCACCCGCCTCTGGCTCCTGTCCCACCTCGCCGGTGG[C>CCTCCTGATCTCTCGTGCT]CTCCTGATCTCTCGTGCTCTCGGCCACGAAGTTCACGGCATCCACACAGCAGCGGACCTC-3'